The following is an entry in ClinVar:

ClinVar aggregate classification (germline): Uncertain significance. Review status: criteria provided, multiple submitters, no conflicts (2 of 4 stars). 2 submissions from 2 submitters: Uncertain significance (2). Last evaluated 2025-11-09.

Conditions:
Glycogen storage disease, type II (IOPD). Also called: Pompe Disease; GLYCOGENOSIS, GENERALIZED, CARDIAC FORM; GSD II; CARDIOMEGALIA GLYCOGENICA DIFFUSA; Glycogen storage disease type 2; Acid maltase deficiency disease. Identifiers: Orphanet 365, MedGen C0017921, MONDO:0009290, OMIM 232300.

gnomAD v4.1: 4 of 1,598,634 alleles (0.00025%); highest among the groups gnomAD compares: South Asian, 0.0045%; no homozygotes.

Submissions (2):

Labcorp Genetics (formerly Invitae), Labcorp
Classification: Uncertain significance for Glycogen storage disease, type II. Last evaluated: 2025-11-09. Review status: criteria provided, single submitter. Criteria: Invitae Variant Classification Sherloc (09022015). Collection method: clinical testing. Allele origin: germline.
Comment: This sequence change replaces histidine, which is basic and polar, with asparagine, which is neutral and polar, at codon 708 of the GAA protein (p.His708Asn). The frequency data for this variant in the population databases is considered unreliable, as metrics indicate poor data quality at this position in the gnomAD database. This variant has not been reported in the literature in individuals affected with GAA-related conditions. ClinVar contains an entry for this variant (Variation ID: 655203). Invitae Evidence Modeling of protein sequence and biophysical properties (such as structural, functional, and spatial information, amino acid conservation, physicochemical variation, residue mobility, and thermodynamic stability) indicates that this missense variant is not expected to disrupt GAA protein function with a negative predictive value of 95%. In summary, the available evidence is currently insufficient to determine the role of this variant in disease. Therefore, it has been classified as a Variant of Uncertain Significance.

Blueprint Genetics
Classification: Uncertain significance. Last evaluated: 2023-05-24. Review status: criteria provided, single submitter. Criteria: ACMG Guidelines, 2015. Collection method: clinical testing. Allele origin: germline.

NM_000152.5(GAA):c.2122C>A (p.His708Asn)

Gene: GAA (alpha glucosidase; plus strand). Cytogenetic location: 17q25.3.
Variant type: single nucleotide variant.
Coding change: c.2122C>A on transcript NM_000152.5 (MANE Select); coding-DNA position 2122, C replaced by A.
Protein change: p.His708Asn; replaces histidine 708 with asparagine.
Molecular consequence: missense variant.
Genome position (GRCh38, 1-based): chr17:80,113,299, C>A. VCF-style: chr17-80113299-C-A. GRCh37 (hg19) VCF-style: chr17-78087098-C-A.
Other names: c.2122C>A (LRG_673t1); c.2122C>A, p.His708Asn (NM_001079803.3, NM_001079804.3); short protein forms H708N.
Identifiers: ClinVar variation 655203 (VCV000655203.8), dbSNP rs149916476, ClinGen allele CA8815615.